The following is an entry in ClinVar:

ClinVar aggregate classification (germline): Uncertain significance (1 of 4 stars; one submission).

Conditions:
Hereditary cancer-predisposing syndrome. Also called: Neoplastic Syndromes, Hereditary; Tumor predisposition; Hereditary neoplastic syndrome; Hereditary Cancer Syndrome. Identifiers: Orphanet 140162, MedGen C0027672, MeSH D009386, MONDO:0015356.

Submission:

Ambry Genetics
Classification: Uncertain significance for Hereditary cancer-predisposing syndrome. Last evaluated: 2026-07-02. Review status: criteria provided, single submitter. Criteria: Ambry Variant Classification Scheme 2023. Collection method: clinical testing. Allele origin: germline.
Comment: The p.E1096K variant (also known as c.3286G>A), located in coding exon 19 of the BRIP1 gene, results from a G to A substitution at nucleotide position 3286. The glutamic acid at codon 1096 is replaced by lysine, an amino acid with similar properties. This amino acid position is conserved. In addition, this alteration is predicted to be tolerated by in silico analysis. Based on the available evidence, the clinical significance of this variant remains unclear.

NM_032043.3(BRIP1):c.3286G>A (p.Glu1096Lys)

Gene: BRIP1 (BRCA1 interacting DNA helicase 1; minus strand). Cytogenetic location: 17q23.2.
Variant type: single nucleotide variant.
Coding change: c.3286G>A on transcript NM_032043.3 (MANE Select); coding-DNA position 3286, G replaced by A.
Protein change: p.Glu1096Lys; replaces glutamic acid 1096 with lysine.
Molecular consequence: missense variant.
Genome position (GRCh38, 1-based): chr17:61,683,760, C>T on the plus strand (G>A on the coding strand, the complement: BRIP1 is on the minus strand). VCF-style: chr17-61683760-C-T. GRCh37 (hg19) VCF-style: chr17-59761121-C-T.
Other names: short protein forms E1096K.
Identifiers: ClinVar variation 5033397 (VCV005033397.1).